The following is an entry in ClinVar:

NM_000057.4(BLM):c.3845del (p.Leu1282fs)

Gene: BLM (BLM RecQ like helicase; plus strand). Cytogenetic location: 15q26.1.
Variant type: Deletion.
Coding change: c.3845del on transcript NM_000057.4 (MANE Select); coding-DNA position 3845, one base deleted (T; older notation c.3845delT).
Protein change: p.Leu1282fs; shifts the reading frame from leucine 1282.
Molecular consequence: frameshift variant.
Genome position (GRCh38, 1-based): chr15:90,809,230, T deleted; the last of 2 consecutive T bases (chr15:90,809,229-90,809,230); deleting either gives the same sequence. VCF-style (leftmost placement, unchanged base first): chr15-90809228-AT-A. GRCh37 (hg19) VCF-style: chr15-91352458-AT-A.
Other names: c.3845del, p.Leu1282fs (NM_001287246.2); c.3452del, p.Leu1151fs (NM_001287247.2); c.2720del, p.Leu907fs (NM_001287248.2); short protein forms L1151fs, L1282fs, L907fs.
Identifiers: ClinVar variation 1075427 (VCV001075427.8), dbSNP rs1897350204, ClinGen allele CA2499223170.
Genomic context (GRCh38, chr15:90,809,228, plus strand): 5'-TCAAATTGATGGTGTTACTGAAGACAAACTGGAAAAATATGGTGCGGAAGTGATTTCAGT[AT>A]TACAGAAATACTCTGAATGGACATCGCCAGGTTAGTACACAGCCATGTGTGTTCTCTAAA-3'

ClinVar aggregate classification (germline): Pathogenic/Likely pathogenic. Review status: criteria provided, multiple submitters, no conflicts (2 of 4 stars). 2 submissions from 2 submitters: Pathogenic (1); Likely pathogenic (1). Last evaluated 2023-05-25.

Conditions:
Bloom syndrome (BLM). Also called: Bloom-Torre-Machacek syndrome. Identifiers: Orphanet 125, MedGen C0005859, MONDO:0008876, OMIM 210900.

Submissions (2):

Baylor Genetics
Classification: Likely pathogenic for Bloom syndrome. Last evaluated: 2023-05-25. Review status: criteria provided, single submitter. Criteria: ACMG Guidelines, 2015. Collection method: clinical testing. Allele origin: unknown.

Labcorp Genetics (formerly Invitae), Labcorp
Classification: Pathogenic for Bloom syndrome. Last evaluated: 2023-05-23. Review status: criteria provided, single submitter. Criteria: Invitae Variant Classification Sherloc (09022015). Collection method: clinical testing. Allele origin: germline.
Comment: For these reasons, this variant has been classified as Pathogenic. ClinVar contains an entry for this variant (Variation ID: 1075427). This variant has not been reported in the literature in individuals affected with BLM-related conditions. This variant is not present in population databases (gnomAD no frequency). This sequence change creates a premature translational stop signal (p.Leu1282Tyrfs*18) in the BLM gene. It is expected to result in an absent or disrupted protein product. Loss-of-function variants in BLM are known to be pathogenic (PMID: 17407155).

Literature cited by the submitters: PubMed 17407155 (cited by Labcorp Genetics (formerly Invitae), Labcorp).